The following is an entry in ClinVar:

ClinVar aggregate classification (germline): Likely benign (0 of 4 stars; one submission).

Conditions:
GNAS-related disorder. Identifiers: MedGen CN380105.

Submission:

PreventionGenetics, part of Exact Sciences
Classification: Likely benign for GNAS-related condition. Last evaluated: 2023-03-22. Review status: no assertion criteria provided. Collection method: clinical testing. Allele origin: germline.
Comment: This variant is classified as likely benign based on ACMG/AMP sequence variant interpretation guidelines (Richards et al. 2015 PMID: 25741868, with internal and published modifications).

NM_080425.4(GNAS):c.1398T>C (p.Asp466=)

Gene: GNAS (GNAS complex locus; plus strand). Cytogenetic location: 20q13.32.
Variant type: single nucleotide variant.
Coding change: c.1398T>C on transcript NM_080425.4 (MANE Plus Clinical); coding-DNA position 1398, T replaced by C.
Protein change: p.Asp466=; no amino-acid change (aspartic acid 466 retained).
Molecular consequence: synonymous variant. On other transcripts: intron variant (3), missense variant (2).
Genome position (GRCh38, 1-based): chr20:58,854,663, T>C. VCF-style: chr20-58854663-T-C. GRCh37 (hg19) VCF-style: chr20-57429718-T-C.
Other names: c.*42+13777T>C (NM_016592.5); c.43+13777T>C (NM_001410912.1); c.-39+12788T>C (NM_001309861.2); c.1211T>C, p.Met404Thr (NM_001077490.3, NM_001309883.1); c.1398T>C, p.Asp466= (NM_001410913.1); short protein forms M404T.
Identifiers: ClinVar variation 3059096 (VCV003059096.2), dbSNP rs1239841966, ClinGen allele CA409460487.